The following is an entry in ClinVar:

ClinVar aggregate classification (germline): Uncertain significance (1 of 4 stars; one submission).

Conditions:
Cardiovascular phenotype. Identifiers: MedGen CN230736.

Submission:

Ambry Genetics
Classification: Uncertain significance for Cardiovascular phenotype. Last evaluated: 2020-06-15. Review status: criteria provided, single submitter. Criteria: Ambry Variant Classification Scheme 2023. Collection method: clinical testing. Allele origin: germline.
Comment: The p.A848G variant (also known as c.2543C>G), located in coding exon 14 of the TTN gene, results from a C to G substitution at nucleotide position 2543. The alanine at codon 848 is replaced by glycine, an amino acid with similar properties. This amino acid position is not well conserved in available vertebrate species. In addition, this alteration is predicted to be tolerated by in silico analysis. Since supporting evidence is limited at this time, the clinical significance of this alteration remains unclear.

NM_001267550.2(TTN):c.2681C>G (p.Ala894Gly)

Gene: TTN (titin; minus strand). Cytogenetic location: 2q31.2.
Variant type: single nucleotide variant.
Coding change: c.2681C>G on transcript NM_001267550.2 (MANE Select); coding-DNA position 2681, C replaced by G.
Protein change: p.Ala894Gly; replaces alanine 894 with glycine.
Molecular consequence: missense variant.
Genome position (GRCh38, 1-based): chr2:178,784,164, G>C on the plus strand (C>G on the coding strand, the complement: TTN is on the minus strand). VCF-style: chr2-178784164-G-C. GRCh37 (hg19) VCF-style: chr2-179648891-G-C.
Other names: c.2681C>G, p.Ala894Gly (NM_001256850.1, NM_133378.4, NM_133379.5); c.2543C>G, p.Ala848Gly (NM_003319.4, NM_133432.3, NM_133437.4); short protein forms A894G, A848G.
Identifiers: ClinVar variation 1792854 (VCV001792854.2), dbSNP rs2533454314, ClinGen allele CA349495537.